The following is an entry in ClinVar:

ClinVar aggregate classification (germline): Uncertain significance (1 of 4 stars; one submission).

Allele frequency attached by ClinVar (database versions not stated): gnomAD exomes 0.00002; ExAC 0.00004; ESP Exome Variant Server 0.00015.

Submission:

Labcorp Genetics (formerly Invitae), Labcorp
Classification: Uncertain significance. Last evaluated: 2025-11-03. Review status: criteria provided, single submitter. Criteria: Invitae Variant Classification Sherloc (09022015). Collection method: clinical testing. Allele origin: germline.
Comment: This sequence change replaces proline, which is neutral and non-polar, with alanine, which is neutral and non-polar, at codon 304 of the TUBGCP6 protein (p.Pro304Ala). This variant is present in population databases (rs369920205, gnomAD 0.008%). This variant has not been reported in the literature in individuals affected with TUBGCP6-related conditions. ClinVar contains an entry for this variant (Variation ID: 1511374). An algorithm developed to predict the effect of missense changes on protein structure and function (PolyPhen-2) suggests that this variant is likely to be disruptive. In summary, the available evidence is currently insufficient to determine the role of this variant in disease. Therefore, it has been classified as a Variant of Uncertain Significance.

NM_020461.4(TUBGCP6):c.910C>G (p.Pro304Ala)

Gene: TUBGCP6 (tubulin gamma complex component 6; minus strand). Cytogenetic location: 22q13.33.
Variant type: single nucleotide variant.
Coding change: c.910C>G on transcript NM_020461.4 (MANE Select); coding-DNA position 910, C replaced by G.
Protein change: p.Pro304Ala; replaces proline 304 with alanine.
Molecular consequence: missense variant.
Genome position (GRCh38, 1-based): chr22:50,233,522, G>C on the plus strand (C>G on the coding strand, the complement: TUBGCP6 is on the minus strand). VCF-style: chr22-50233522-G-C. GRCh37 (hg19) VCF-style: chr22-50671951-G-C.
Other names: short protein forms P304A.
Identifiers: ClinVar variation 1511374 (VCV001511374.4), dbSNP rs369920205, ClinGen allele CA10308888.